The following is an entry in ClinVar:

ClinVar aggregate classification (germline): Pathogenic/Likely pathogenic. Review status: criteria provided, multiple submitters, no conflicts (2 of 4 stars). 3 submissions from 3 submitters: Pathogenic (1); Likely pathogenic (2). Last evaluated 2026-01-08.

Conditions:
Epidermolysis bullosa dystrophica. Also called: Dystrophic epidermolysis bullosa, Hallopeau-Siemens type (formerly); Dystrophic epidermolysis bullosa. Identifiers: Orphanet 303, MedGen C0079294, MONDO:0006543.
Recessive dystrophic epidermolysis bullosa (RDEB). Also called: DYSTROPHIC EPIDERMOLYSIS BULLOSA, AUTOSOMAL RECESSIVE; EPIDERMOLYSIS BULLOSA DYSTROPHICA, HALLOPEAU-SIEMENS TYPE; Hallopeau-Siemens Disease; epidermolysis bullosa dystrophica, autosomal recessive; Recessive DEB (RDEB); severe generalized recessive dystrophic epidermolysis bullosa. Identifiers: Orphanet 79408, Orphanet 79409, MedGen C0079474, MONDO:0009179, OMIM 226600.

Submissions (3):

Natera, Inc.
Classification: Likely pathogenic for Dystrophic epidermolysis bullosa. Last evaluated: 2026-01-08. Review status: criteria provided, single submitter. Criteria: Natera Variant Classification Schema (03/2026). Collection method: clinical testing. Allele origin: germline.
Comment: The c.8786G>A variant in COL7A1 is a missense variant predicted to cause substitution of cysteine to tyrosine at amino acid 2929. This variant is rare in the general population with a frequency below the threshold expected for the associated phenotype(s). This variant has been observed in one or more individuals affected with the associated recessive disease, as either homozygous or compound heterozygous with a second variant (PMID: 26707537). This variant has been identified in one or more affected individual with a phenotype highly consistent with the associated gene (PMID: 26707537). Computational prediction algorithms indicate this variant is likely to affect gene or protein function. Given the available evidence, this variant is classified as Likely Pathogenic.

Women's Health and Genetics/Laboratory Corporation of America, LabCorp
Classification: Likely pathogenic for Recessive dystrophic epidermolysis bullosa. Last evaluated: 2025-10-01. Review status: criteria provided, single submitter. Criteria: LabCorp Variant Classification Summary - May 2015. Collection method: clinical testing. Allele origin: germline.
Comment: Variant summary: COL7A1 c.8786G>A (p.Cys2929Tyr) results in a non-conservative amino acid change in the encoded protein sequence. Algorithms developed to predict the effect of missense changes on protein structure and function all suggest that this variant is likely to be disruptive. The variant was absent in 250264 control chromosomes. The available data on variant occurrences in the general population are insufficient to allow any conclusion about variant significance. c.8786G>A has been observed in the presumed compound heterozygous state in at least 1 individual(s) affected with Dystrophic Epidermolysis Bullosa, Recessive (Kopekov_2016). These data do not allow any conclusion about variant significance. To our knowledge, no experimental evidence demonstrating an impact on protein function has been reported. A different variant at the same codon (c.8786G>T, p.Cys2929Phe) has been determined to be likely pathogenic/pathogenic for autosomal recessive COL7A1-related conditions by our laboratory, supporting the critical relevance of codon 2929 for COL7A1 protein function (PMID: 39167390, Labcorp Genetics (formerly Invitae)). The following publication has been ascertained in the context of this evaluation (PMID: 26707537). ClinVar contains an entry for this variant (Variation ID: 3630022). To our knowledge, this variant has not been reported in individuals with autosomal dominant Dystrophic Epidermolysis Bullosa. Based on the evidence outlined above, the variant was classified as likely pathogenic for autosomal recessive Dystrophic Epidermolysis Bullosa.

Labcorp Genetics (formerly Invitae), Labcorp
Classification: Pathogenic. Last evaluated: 2024-11-12. Review status: criteria provided, single submitter. Criteria: Invitae Variant Classification Sherloc (09022015). Collection method: clinical testing. Allele origin: germline.
Comment: This sequence change replaces cysteine, which is neutral and slightly polar, with tyrosine, which is neutral and polar, at codon 2929 of the COL7A1 protein (p.Cys2929Tyr). This variant is not present in population databases (gnomAD no frequency). This missense change has been observed in individual(s) with autosomal recessive dystrophic epidermolysis bullosa (PMID: 26707537). Invitae Evidence Modeling of protein sequence and biophysical properties (such as structural, functional, and spatial information, amino acid conservation, physicochemical variation, residue mobility, and thermodynamic stability) indicates that this missense variant is expected to disrupt COL7A1 protein function with a positive predictive value of 95%. This variant disrupts the p.Cys2929 amino acid residue in COL7A1. Other variant(s) that disrupt this residue have been determined to be pathogenic (internal data). This suggests that this residue is clinically significant, and that variants that disrupt this residue are likely to be disease-causing. For these reasons, this variant has been classified as Pathogenic.

Literature cited by the submitters: PubMed 26707537 (cited by 3 submitters).

NM_000094.4(COL7A1):c.8786G>A (p.Cys2929Tyr)

Gene: COL7A1 (collagen type VII alpha 1 chain; minus strand). Cytogenetic location: 3p21.31.
Variant type: single nucleotide variant.
Coding change: c.8786G>A on transcript NM_000094.4 (MANE Select); coding-DNA position 8786, G replaced by A.
Protein change: p.Cys2929Tyr; replaces cysteine 2929 with tyrosine.
Molecular consequence: missense variant.
Genome position (GRCh38, 1-based): chr3:48,564,815, C>T on the plus strand (G>A on the coding strand, the complement: COL7A1 is on the minus strand). VCF-style: chr3-48564815-C-T. GRCh37 (hg19) VCF-style: chr3-48602248-C-T.
Other names: short protein forms C2929Y.
Identifiers: ClinVar variation 3630022 (VCV003630022.6).